The following is an entry in ClinVar:

ClinVar aggregate classification (germline): Likely benign. Review status: criteria provided, multiple submitters, no conflicts (2 of 4 stars). 2 submissions from 2 submitters: Likely benign (2). Last evaluated 2026-07-01.

Allele frequency attached by ClinVar (database versions not stated): gnomAD 0.00001; gnomAD exomes 0.00002; TOPMed 0.00002; ExAC 0.00004.

Submissions (2):

CeGaT Center for Human Genetics Tuebingen
Classification: Likely benign. Last evaluated: 2026-07-01. Review status: criteria provided, single submitter. Criteria: CeGaT Center For Human Genetics Tuebingen Variant Classification Criteria Version 2. Collection method: clinical testing. Allele origin: germline. Affected: yes. Observed: 1 variant allele.
Comment: NKX6-2: BP4, BP7

Labcorp Genetics (formerly Invitae), Labcorp
Classification: Likely benign. Last evaluated: 2025-07-03. Review status: criteria provided, single submitter. Criteria: Invitae Variant Classification Sherloc (09022015). Collection method: clinical testing. Allele origin: germline.

NM_177400.3(NKX6-2):c.411G>A (p.Pro137=)

Gene: NKX6-2 (NK6 homeobox 2; minus strand). Cytogenetic location: 10q26.3.
Variant type: single nucleotide variant.
Coding change: c.411G>A on transcript NM_177400.3 (MANE Select); coding-DNA position 411, G replaced by A.
Protein change: p.Pro137=; no amino-acid change (proline 137 retained).
Molecular consequence: synonymous variant.
Genome position (GRCh38, 1-based): chr10:132,785,448, C>T on the plus strand (G>A on the coding strand, the complement: NKX6-2 is on the minus strand). VCF-style: chr10-132785448-C-T. GRCh37 (hg19) VCF-style: chr10-134598952-C-T.
Identifiers: ClinVar variation 1504861 (VCV001504861.10), dbSNP rs769528451, ClinGen allele CA5756115.